The following is an entry in ClinVar:

ClinVar aggregate classification (germline): Uncertain significance (1 of 4 stars; one submission).

Submission:

Foulkes Cancer Genetics LDI, Lady Davis Institute for Medical Research
Classification: Uncertain significance. Last evaluated: 2019-07-01. Review status: criteria provided, single submitter. Criteria: ACMG Guidelines, 2015. Collection method: curation. Allele origin: somatic. Affected: yes. Observed: 1 variant allele.
Comment: ACMG criteria met: M1, PM2, PP3, BP1

Literature cited by the submitters: PubMed 21882293; PubMed 27459524.

NM_177438.3(DICER1):c.5065C>T (p.His1689Tyr)

Gene: DICER1 (dicer 1, ribonuclease III; minus strand). Cytogenetic location: 14q32.13.
Variant type: single nucleotide variant.
Coding change: c.5065C>T on transcript NM_177438.3 (MANE Select); coding-DNA position 5065, C replaced by T.
Protein change: p.His1689Tyr; replaces histidine 1689 with tyrosine.
Molecular consequence: missense variant.
Genome position (GRCh38, 1-based): chr14:95,095,855, G>A on the plus strand (C>T on the coding strand, the complement: DICER1 is on the minus strand). VCF-style: chr14-95095855-G-A. GRCh37 (hg19) VCF-style: chr14-95562192-G-A.
Other names: c.5065C>T, p.His1689Tyr (NM_001195573.1, NM_001271282.3, NM_001291628.2 and 1 more transcripts); short protein forms H1689Y.
Identifiers: ClinVar variation 932986 (VCV000932986.2), dbSNP rs1890259261, ClinGen allele CA390865977.